The following continues an entry in ClinVar:

NM_000059.4(BRCA2):c.9294C>G (p.Tyr3098Ter)

Gene: BRCA2. ClinVar aggregate classification (germline): Pathogenic. Pathogenic (1).

Submissions 21 to 30 of 30:

Women's Health and Genetics/Laboratory Corporation of America, LabCorp
Classification: Pathogenic for Hereditary breast ovarian cancer syndrome. Last evaluated: 2017-03-24. Review status: criteria provided, single submitter. Criteria: LabCorp Variant Classification Summary - May 2015. Collection method: clinical testing. Allele origin: germline. Not counted in ClinVar's aggregate classification.
Comment: Variant summary: The BRCA2 c.9294C>G (p.Tyr3098X) variant results in a premature termination codon, predicted to cause a truncated or absent BRCA2 protein due to nonsense mediated decay, which are commonly known mechanisms for disease. Truncations downstream of this position have been classified as pathogenic by our laboratory (e.g., c.9331G>T [p.Glu3111X], c.9382C>T [p.Arg3128X], and c.9403delC [p.Leu3135fsX28]). The variant lies within a nucleic acid-binding, OB-fold domain (InterPro) and one in silico tool predicts a damaging outcome for this variant. This variant was found in the large control database ExAC at a frequency of 0.0000083 (1/120548 control chromosomes), which does not exceed the estimated maximal expected allele frequency of a pathogenic BRCA2 variant (0.0007503). Several publications cite the variant in patients and classify it as a pathogenic mutation (e.g., Kwong_BRCA_JMG_2015). In addition, multiple clinical diagnostic laboratories/reputable databases classified this variant as pathogenic. Taken together, this variant is classified as pathogenic.

University of Washington Department of Laboratory Medicine, University of Washington
Classification: Pathogenic for Breast-ovarian cancer, familial, susceptibility to, 1. Last evaluated: 2015-11-20. Review status: criteria provided, single submitter. Criteria: Shirts et al. (Genet Med 2016). Collection method: clinical testing. Allele origin: germline. Affected: yes. Observed: 1 variant allele. Not counted in ClinVar's aggregate classification.

Consortium of Investigators of Modifiers of BRCA1/2 (CIMBA), c/o University of Cambridge
Classification: Pathogenic for Breast-ovarian cancer, familial, susceptibility to, 2. Last evaluated: 2015-10-02. Review status: criteria provided, single submitter. Criteria: CIMBA Mutation Classification guidelines May 2016. Collection method: clinical testing. Allele origin: germline. Not counted in ClinVar's aggregate classification.

Department of Pathology and Laboratory Medicine, Sinai Health System
Classification: Pathogenic for Hereditary breast ovarian cancer syndrome. Review status: criteria provided, single submitter. Criteria: ACMG Guidelines, 2015. Collection method: clinical testing. Allele origin: germline. Affected: yes. Study: The Canadian Open Genetics Repository (COGR). Not counted in ClinVar's aggregate classification.

BRCAlab, Lund University
Classification: Pathogenic for Breast-ovarian cancer, familial, susceptibility to, 2. Last evaluated: 2020-03-02. Review status: no assertion criteria provided. Collection method: clinical testing. Allele origin: germline. Affected: yes. Not counted in ClinVar's aggregate classification.

Counsyl
Classification: Pathogenic for Breast-ovarian cancer, familial, susceptibility to, 2. Last evaluated: 2016-05-26. Review status: no assertion criteria provided. Collection method: clinical testing. Allele origin: unknown. Not counted in ClinVar's aggregate classification.

Research Molecular Genetics Laboratory, Women's College Hospital, University of Toronto
Classification: Pathogenic for Hereditary breast ovarian cancer syndrome. Last evaluated: 2014-01-31. Review status: no assertion criteria provided. Collection method: research. Allele origin: germline. Affected: yes. Study: The Canadian Open Genetics Repository (COGR). Not counted in ClinVar's aggregate classification.

Sharing Clinical Reports Project (SCRP)
Classification: Pathogenic for Breast-ovarian cancer, familial 2. Last evaluated: 2013-01-03. Review status: no assertion criteria provided. Collection method: clinical testing. Allele origin: germline. Not counted in ClinVar's aggregate classification.

Breast Cancer Information Core (BIC) (BRCA2)
Classification: Pathogenic for Breast-ovarian cancer, familial 2. Last evaluated: 2002-05-29. Review status: no assertion criteria provided. Collection method: clinical testing. Allele origin: germline. Affected: yes. Observed: 17 variant alleles. Not counted in ClinVar's aggregate classification.

Dr. Peter K. Rogan Lab, Western University
No classification provided (evidence only). Condition: Familial cancer of breast. Review status: no classification provided. Collection method: in vitro. Allele origin: not applicable. Functional consequence: retained intron. Not counted in ClinVar's aggregate classification.

Literature cited by the submitters: PubMed 20104584 (cited by Labcorp Genetics (formerly Invitae), Labcorp); PubMed 12698193 (cited by 9 submitters); PubMed 23569316 (cited by 5 submitters); PubMed 24728189 (cited by 7 submitters); PubMed 26787237 (cited by 4 submitters); PubMed 26845104 (cited by 5 submitters); PubMed 20301425 (cited by Variantyx, Inc.); PubMed 25186627 (cited by 7 submitters); PubMed 33758026 (cited by Variantyx, Inc. and Quest Diagnostics Nichols Institute San Juan Capistrano); PubMed 36169650 (cited by Variantyx, Inc. and Quest Diagnostics Nichols Institute San Juan Capistrano); PubMed 30274973 (cited by 7 submitters); PubMed 34761457 (cited by Variantyx, Inc. and Quest Diagnostics Nichols Institute San Juan Capistrano); PubMed 27456091 (cited by 5 submitters); PubMed 28503720 (cited by Mayo Clinic Laboratories, Mayo Clinic and Ambry Genetics); PubMed 28724667 (cited by 5 submitters); PubMed 28993434 (cited by 3 submitters); PubMed 29263802 (cited by Mayo Clinic Laboratories, Mayo Clinic and Ambry Genetics); PubMed 29625052 (cited by Mayo Clinic Laboratories, Mayo Clinic and Ambry Genetics); PubMed 32468491 (cited by Mayo Clinic Laboratories, Mayo Clinic and Ambry Genetics); PubMed 32782288 (cited by 3 submitters); PubMed 36329109 (cited by 3 submitters); PubMed 33471991 (cited by 4 submitters); PubMed 37922907 (cited by Quest Diagnostics Nichols Institute San Juan Capistrano and Color Diagnostics, LLC DBA Color Health); PubMed 33461583 (cited by Quest Diagnostics Nichols Institute San Juan Capistrano); PubMed 35864222 (cited by Quest Diagnostics Nichols Institute San Juan Capistrano); PubMed 38912178 (cited by Quest Diagnostics Nichols Institute San Juan Capistrano); PubMed 30702160 (cited by 4 submitters); PubMed 29446198 (cited by Quest Diagnostics Nichols Institute San Juan Capistrano and Ambry Genetics); PubMed 16234499 (cited by 4 submitters); PubMed 9667259 (cited by 4 submitters); PubMed 18779604 (cited by 4 submitters); PubMed 26187060 (cited by 3 submitters); PubMed 15131399 (cited by Ambry Genetics); PubMed 26681312 (cited by Ambry Genetics and Counsyl); PubMed 31019283 (cited by Ambry Genetics); PubMed 31263054 (cited by Ambry Genetics).